The following is an entry in ClinVar:

NM_198060.4(NRAP):c.2501T>C (p.Ile834Thr)

Gene: NRAP (nebulin related anchoring protein; minus strand). Cytogenetic location: 10q25.3.
Variant type: single nucleotide variant.
Coding change: c.2501T>C on transcript NM_198060.4 (MANE Select); coding-DNA position 2501, T replaced by C.
Protein change: p.Ile834Thr; replaces isoleucine 834 with threonine.
Molecular consequence: missense variant.
Genome position (GRCh38, 1-based): chr10:113,622,137, A>G on the plus strand (T>C on the coding strand, the complement: NRAP is on the minus strand). VCF-style: chr10-113622137-A-G. GRCh37 (hg19) VCF-style: chr10-115381896-A-G.
Other names: c.2501T>C, p.Ile834Thr (NM_001261463.2); c.2393T>C, p.Ile798Thr (NM_001322945.2); c.2396T>C, p.Ile799Thr (NM_006175.5); c.2501T>C (NM_198060.3); short protein forms I798T, I799T, I834T.
Identifiers: ClinVar variation 3038705 (VCV003038705.5), dbSNP rs112597942, ClinGen allele CA5695147.
Genomic context (GRCh38, chr10:113,622,137, plus strand): 5'-AGCTTGGACATTTGCAGTGAGTGGCTCATTTGCGAATCTCCCTGTACATCTTTTGCCCCA[A>G]TGAGCTTCCCTCTGGATCTCTCATAATCCTCCTTGTACTTCACCTAAATAAGAGGAATAG-3'
Protein context (NP_932326.2, residues 824-844): EDYERSRGKL[Ile834Thr]GAKDVQGDSQ

ClinVar aggregate classification (germline): Conflicting classifications of pathogenicity. Review status: criteria provided, conflicting classifications (1 of 4 stars). 4 submissions from 4 submitters: Uncertain significance (1); Likely benign (2). 1 of the submissions does not count toward it. Last evaluated 2025-04-09.

Conditions:
NRAP-related disorder. Also called: NRAP-related condition.

Allele frequency attached by ClinVar (database versions not stated): 1000 Genomes Project 30x 0.00109; 1000 Genomes Project 0.00120; ESP Exome Variant Server 0.00131; gnomAD 0.00148; TOPMed 0.00155; ExAC 0.00182.
gnomAD v4.1: 2,504 of 1,614,042 alleles (0.16%); highest among the groups gnomAD compares: Middle Eastern, 1.1%; 1 homozygote.

Submissions (4):

Molecular Diagnostic Laboratory for Inherited Cardiovascular Disease, Montreal Heart Institute
Classification: Likely benign. Last evaluated: 2025-04-09. Review status: criteria provided, single submitter. Criteria: ACMG Guidelines, 2015. Collection method: clinical testing. Allele origin: germline. Affected: no.
Comment: BS1

Blueprint Genetics
Classification: Likely benign. Last evaluated: 2024-11-27. Review status: criteria provided, single submitter. Criteria: ACMG Guidelines, 2015. Collection method: clinical testing. Allele origin: germline.

Clinical Genetics Laboratory, Skane University Hospital Lund
Classification: Uncertain significance. Last evaluated: 2023-05-05. Review status: criteria provided, single submitter. Criteria: ACMG Guidelines, 2015. Collection method: clinical testing. Allele origin: germline. Affected: yes.

PreventionGenetics, part of Exact Sciences
Classification: Likely benign for NRAP-related condition. Last evaluated: 2023-05-25. Review status: no assertion criteria provided. Collection method: clinical testing. Allele origin: germline. Not counted in ClinVar's aggregate classification.
Comment: This variant is classified as likely benign based on ACMG/AMP sequence variant interpretation guidelines (Richards et al. 2015 PMID: 25741868, with internal and published modifications).